The following is an entry in ClinVar:

ClinVar aggregate classification (germline): Benign/Likely benign. Review status: criteria provided, multiple submitters, no conflicts (2 of 4 stars). 10 submissions from 10 submitters: Benign (2); Likely benign (7). 1 of the submissions does not count toward it. Last evaluated 2026-09-01.

Conditions:
CREBBP-related disorder. Also called: CREBBP-related condition; CREBBP-related disorders.
Rubinstein-Taybi syndrome (RSTS). Identifiers: Orphanet 783, MedGen C0035934, MONDO:0019188.
Menke-Hennekam syndrome 1 (MKHK1). Identifiers: MedGen C5193034, MONDO:0020763, OMIM 618332.
Rubinstein-Taybi syndrome due to CREBBP mutations (RSTS1). Also called: CREBBP-Related Rubinstein-Taybi Syndrome; BROAD THUMB-HALLUX SYNDROME; Rubinstein-Taybi syndrome 1; RUBINSTEIN SYNDROME; RUBINSTEIN-TAYBI SYNDROME 1, INCOMPLETE; BROAD THUMBS AND GREAT TOES, CHARACTERISTIC FACIES, AND IMPAIRED INTELLECTUAL DEVELOPMENT. Identifiers: Orphanet 353277, Orphanet 783, MedGen C4551859, MONDO:0008393, OMIM 180849.
Inborn genetic diseases. Identifiers: MedGen C0950123, MeSH D030342.

Allele frequency attached by ClinVar (database versions not stated): TOPMed 0.00058; ESP Exome Variant Server 0.00062.
gnomAD v4.1: 894 of 1,614,128 alleles (0.055%); highest among the groups gnomAD compares: Non-Finnish European, 0.069%; no homozygotes.

Submissions (10):

CeGaT Center for Human Genetics Tuebingen
Classification: Likely benign. Last evaluated: 2026-09-01. Review status: criteria provided, single submitter. Criteria: CeGaT Center For Human Genetics Tuebingen Variant Classification Criteria Version 2. Collection method: clinical testing. Allele origin: germline. Affected: yes. Observed: 1 variant allele.
Comment: CREBBP: PP2, BS1

Labcorp Genetics (formerly Invitae), Labcorp
Classification: Likely benign for Rubinstein-Taybi syndrome. Last evaluated: 2026-01-28. Review status: criteria provided, single submitter. Criteria: Invitae Variant Classification Sherloc (09022015). Collection method: clinical testing. Allele origin: germline.

Blueprint Genetics
Classification: Likely benign. Last evaluated: 2024-10-29. Review status: criteria provided, single submitter. Criteria: ACMG Guidelines, 2015. Collection method: clinical testing. Allele origin: germline.

GeneDx
Classification: Benign. Last evaluated: 2021-09-03. Review status: criteria provided, single submitter. Criteria: GeneDx Variant Classification Process June 2021. Collection method: clinical testing. Allele origin: germline. Affected: yes.

Fulgent Genetics
Classification: Likely benign for Rubinstein-Taybi syndrome due to CREBBP mutations; Menke-Hennekam syndrome 1. Last evaluated: 2021-08-11. Review status: criteria provided, single submitter. Criteria: ACMG Guidelines, 2015. Collection method: clinical testing. Allele origin: unknown.

Ambry Genetics
Classification: Benign for Inborn genetic diseases. Last evaluated: 2020-05-04. Review status: criteria provided, single submitter. Criteria: Ambry Variant Classification Scheme 2023. Collection method: clinical testing. Allele origin: germline.

Mendelics
Classification: Likely benign for Rubinstein-Taybi syndrome due to CREBBP mutations. Last evaluated: 2019-05-28. Review status: criteria provided, single submitter. Criteria: Mendelics Assertion Criteria 2017. Collection method: clinical testing. Allele origin: unknown.

Eurofins Ntd Llc (ga)
Classification: Likely benign. Last evaluated: 2015-12-30. Review status: criteria provided, single submitter. Criteria: EGL Classification Definitions 2015. Collection method: clinical testing. Allele origin: germline. Observed: 4 variant alleles, 4 heterozygotes.

Breakthrough Genomics
Classification: Likely benign. Review status: criteria provided, single submitter. Criteria: ACMG Guidelines, 2015. Collection method: not provided. Allele origin: germline. Inheritance: Autosomal dominant inheritance. Affected: yes.

PreventionGenetics, part of Exact Sciences
Classification: Likely benign for CREBBP-related condition. Last evaluated: 2021-07-16. Review status: no assertion criteria provided. Collection method: clinical testing. Allele origin: germline. Not counted in ClinVar's aggregate classification.
Comment: This variant is classified as likely benign based on ACMG/AMP sequence variant interpretation guidelines (Richards et al. 2015 PMID: 25741868, with internal and published modifications).

NM_004380.3(CREBBP):c.712G>C (p.Val238Leu)

Gene: CREBBP (CREB binding lysine acetyltransferase; minus strand). Cytogenetic location: 16p13.3.
Variant type: single nucleotide variant.
Coding change: c.712G>C on transcript NM_004380.3 (MANE Select); coding-DNA position 712, G replaced by C.
Protein change: p.Val238Leu; replaces valine 238 with leucine.
Molecular consequence: missense variant.
Genome position (GRCh38, 1-based): chr16:3,850,383, C>G on the plus strand (G>C on the coding strand, the complement: CREBBP is on the minus strand). VCF-style: chr16-3850383-C-G. GRCh37 (hg19) VCF-style: chr16-3900384-C-G.
Other names: c.712G>C, p.Val238Leu (NM_001079846.1); short protein forms V238L.
Identifiers: ClinVar variation 195218 (VCV000195218.25), dbSNP rs146887252, ClinGen allele CA241543.